The following is an entry in ClinVar:

NM_001291303.3(FAT4):c.7010C>T (p.Thr2337Ile)

Gene: FAT4 (FAT atypical cadherin 4; plus strand). Cytogenetic location: 4q28.1.
Variant type: single nucleotide variant.
Coding change: c.7010C>T on transcript NM_001291303.3 (MANE Select); coding-DNA position 7010, C replaced by T.
Protein change: p.Thr2337Ile; replaces threonine 2337 with isoleucine.
Molecular consequence: missense variant.
Genome position (GRCh38, 1-based): chr4:125,416,614, C>T. VCF-style: chr4-125416614-C-T. GRCh37 (hg19) VCF-style: chr4-126337769-C-T.
Other names: c.7010C>T, p.Thr2337Ile (NM_001291285.3, NM_024582.6); c.7010C>T (NM_024582.4); short protein forms T2337I.
Identifiers: ClinVar variation 1897572 (VCV001897572.5), dbSNP rs1441794239, ClinGen allele CA358131850.

ClinVar aggregate classification (germline): Uncertain significance. Review status: criteria provided, multiple submitters, no conflicts (2 of 4 stars). 2 submissions from 2 submitters: Uncertain significance (2). Last evaluated 2025-03-28.

Conditions:
FAT4-related disorder. Also called: FAT4-related condition.

Allele frequency attached by ClinVar (database versions not stated): gnomAD exomes below 0.00001; TOPMed 0.00001.
gnomAD v4.1: 1 of 1,613,568 alleles (0.000062%); highest among the groups gnomAD compares: African/African-American, 0.0013%; no homozygotes.

Submissions (2):

PreventionGenetics, part of Exact Sciences
Classification: Uncertain significance for FAT4-related condition. Last evaluated: 2025-03-28. Review status: criteria provided, single submitter. Criteria: ACMG Guidelines, 2015. Collection method: clinical testing. Allele origin: germline.
Comment: The FAT4 c.7010C>T variant is predicted to result in the amino acid substitution p.Thr2337Ile. To our knowledge, this variant has not been reported in the literature. This variant is reported in 0.0062% of alleles in individuals of African descent in gnomAD. At this time, the clinical significance of this variant is uncertain due to the absence of conclusive functional and genetic evidence.

Labcorp Genetics (formerly Invitae), Labcorp
Classification: Uncertain significance. Last evaluated: 2024-11-04. Review status: criteria provided, single submitter. Criteria: Invitae Variant Classification Sherloc (09022015). Collection method: clinical testing. Allele origin: germline.
Comment: This sequence change replaces threonine, which is neutral and polar, with isoleucine, which is neutral and non-polar, at codon 2337 of the FAT4 protein (p.Thr2337Ile). This variant is present in population databases (no rsID available, gnomAD 0.007%). This variant has not been reported in the literature in individuals affected with FAT4-related conditions. ClinVar contains an entry for this variant (Variation ID: 1897572). Invitae Evidence Modeling of protein sequence and biophysical properties (such as structural, functional, and spatial information, amino acid conservation, physicochemical variation, residue mobility, and thermodynamic stability) indicates that this missense variant is not expected to disrupt FAT4 protein function with a negative predictive value of 80%. In summary, the available evidence is currently insufficient to determine the role of this variant in disease. Therefore, it has been classified as a Variant of Uncertain Significance.